The following is an entry in ClinVar:

ClinVar aggregate classification (germline): Likely pathogenic (1 of 4 stars; one submission).

gnomAD v4.1: 28 of 1,547,422 alleles (0.0018%); highest among the groups gnomAD compares: Non-Finnish European, 0.0024%; no homozygotes.

Submission:

CeGaT Center for Human Genetics Tuebingen
Classification: Likely pathogenic. Last evaluated: 2026-02-01. Review status: criteria provided, single submitter. Criteria: CeGaT Center For Human Genetics Tuebingen Variant Classification Criteria Version 2. Collection method: clinical testing. Allele origin: germline. Affected: yes. Observed: 1 variant allele.
Comment: MCAT: PVS1:Strong, PM2

NM_173467.5(MCAT):c.423+1G>A

Gene: MCAT (malonyl-CoA-acyl carrier protein transacylase; minus strand). Cytogenetic location: 22q13.2.
Variant type: single nucleotide variant.
Coding change: c.423+1G>A on transcript NM_173467.5 (MANE Select); the canonical splice donor site of the intron after coding-DNA position 423, G replaced by A.
Molecular consequence: splice donor variant. On other transcripts: non-coding transcript variant (1).
Genome position (GRCh38, 1-based): chr22:43,142,925, C>T on the plus strand (G>A on the coding strand, the complement: MCAT is on the minus strand). VCF-style: chr22-43142925-C-T. GRCh37 (hg19) VCF-style: chr22-43538931-C-T.
Other names: c.423+1G>A (NM_014507.3).
Identifiers: ClinVar variation 4823521 (VCV004823521.4).